The following is an entry in ClinVar:

NM_000492.4(CFTR):c.743G>C (p.Arg248Thr)

Gene: CFTR (CF transmembrane conductance regulator; plus strand). Cytogenetic location: 7q31.2.
Variant type: single nucleotide variant.
Coding change: c.743G>C on transcript NM_000492.4 (MANE Select); coding-DNA position 743, G replaced by C.
Protein change: p.Arg248Thr; replaces arginine 248 with threonine.
Molecular consequence: missense variant.
Genome position (GRCh38, 1-based): chr7:117,535,411, G>C. VCF-style: chr7-117535411-G-C. GRCh37 (hg19) VCF-style: chr7-117175465-G-C.
Other names: short protein forms R248T.
Identifiers: ClinVar variation 54053 (VCV000054053.9), dbSNP rs397508792, ClinGen allele CA327645.

ClinVar aggregate classification (germline): Conflicting classifications of pathogenicity. Review status: criteria provided, conflicting classifications (1 of 4 stars). 4 submissions from 4 submitters: Likely pathogenic (1); Uncertain significance (2). 1 of the submissions does not count toward it. Last evaluated 2025-09-02.

Conditions:
Cystic fibrosis (CF). Also called: MUCOVISCIDOSIS. Identifiers: Orphanet 586, MedGen C0010674, MONDO:0009061, OMIM 219700. Disease mechanism: loss of function.

gnomAD v4.1: 8 of 1,613,836 alleles (0.0005%); highest among the groups gnomAD compares: Non-Finnish European, 0.00068%; no homozygotes.

Submissions (4):

Women's Health and Genetics/Laboratory Corporation of America, LabCorp
Classification: Uncertain significance. Last evaluated: 2025-09-02. Review status: criteria provided, single submitter. Criteria: LabCorp Variant Classification Summary - May 2015. Collection method: clinical testing. Allele origin: germline.
Comment: Variant summary: CFTR c.743G>C (p.Arg248Thr) results in a non-conservative amino acid change located in the ABC transporter type 1, transmembrane domain (IPR011527) of the encoded protein sequence. Algorithms developed to predict the effect of missense changes on protein structure and function all suggest that this variant is likely to be disruptive. Several computational tools predict a significant impact on normal splicing: Three predict the variant abolishes a 5' splicing donor site. However, these predictions have yet to be confirmed by functional studies. The variant allele was found at a frequency of 8e-06 in 251316 control chromosomes. At least one publication reports experimental evidence evaluating an impact on protein function. The most pronounced variant effect resulted in approximately (Gt channel conductance) 35% of normal chloride channel conductance relative to wild type (e.g., Bihler_2024). The following publications have been ascertained in the context of this evaluation (PMID: 28801929, 21931512, 38388235). ClinVar contains an entry for this variant (Variation ID: 54053). Based on the evidence outlined above, the variant was classified as VUS-possibly pathogenic.

Labcorp Genetics (formerly Invitae), Labcorp
Classification: Uncertain significance for Cystic fibrosis. Last evaluated: 2023-09-07. Review status: criteria provided, single submitter. Criteria: Invitae Variant Classification Sherloc (09022015). Collection method: clinical testing. Allele origin: germline.
Comment: This missense change has been observed in individual(s) with azoospermia (PMID: 28801929). This sequence change replaces arginine, which is basic and polar, with threonine, which is neutral and polar, at codon 248 of the CFTR protein (p.Arg248Thr). This variant also falls at the last nucleotide of exon 6, which is part of the consensus splice site for this exon. This variant is present in population databases (rs397508792, gnomAD 0.002%). ClinVar contains an entry for this variant (Variation ID: 54053). An algorithm developed to predict the effect of missense changes on protein structure and function (PolyPhen-2) suggests that this variant is likely to be disruptive. Variants that disrupt the consensus splice site are a relatively common cause of aberrant splicing (PMID: 17576681, 9536098). Algorithms developed to predict the effect of sequence changes on RNA splicing suggest that this variant may disrupt the consensus splice site. In summary, the available evidence is currently insufficient to determine the role of this variant in disease. Therefore, it has been classified as a Variant of Uncertain Significance.

Johns Hopkins Genomics, Johns Hopkins University
Classification: Likely pathogenic for Cystic fibrosis. Last evaluated: 2020-05-08. Review status: criteria provided, single submitter. Criteria: ACMG Guidelines, 2015. Collection method: clinical testing. Allele origin: germline.
Comment: CFTR c.743G>C has been previously identified in individuals with features of cystic fibrosis, but without the classic phenotype. This CFTR variant (rs397508792) is rare (<0.1%) in a large population dataset (gnomAD: 2/251316 total alleles; 0.0008%; no homozygotes). Three bioinformatic tools queried predict that this amino acid substitution would probably be damaging and the arginine residue at this position is evolutionarily conserved across most species assessed. This variant alters the last nucleotide of exon 6 (legacy exon 6a) and bioinformatic analysis predicts that this variant would affect splicing of this exon. However, this has not been confirmed experimentally to our knowledge. We consider c.743G>C to be likely pathogenic.

ClinVar Staff, National Center for Biotechnology Information (NCBI)
No classification provided. Condition: CFTR-related disorders. Review status: no classification provided. Collection method: literature only. Allele origin: germline. Affected: yes. Not counted in ClinVar's aggregate classification.

Literature cited by the submitters: PubMed 21931512 (cited by Women's Health and Genetics/Laboratory Corporation of America, LabCorp and Johns Hopkins Genomics, Johns Hopkins University); PubMed 28801929 (cited by Women's Health and Genetics/Laboratory Corporation of America, LabCorp and Labcorp Genetics (formerly Invitae), Labcorp); PubMed 38388235 (cited by Women's Health and Genetics/Laboratory Corporation of America, LabCorp); PubMed 17576681 (cited by Labcorp Genetics (formerly Invitae), Labcorp); PubMed 9536098 (cited by Labcorp Genetics (formerly Invitae), Labcorp); PubMed 28196530 (cited by Johns Hopkins Genomics, Johns Hopkins University); PubMed 31672438 (cited by Johns Hopkins Genomics, Johns Hopkins University); PubMed 20059485 (cited by ClinVar Staff, National Center for Biotechnology Information (NCBI)).